The following is an entry in ClinVar:

NM_004628.5(XPC):c.*192T>C

Gene: XPC (XPC complex subunit, DNA damage recognition and repair factor; minus strand). Cytogenetic location: 3p25.1.
Variant type: single nucleotide variant.
Coding change: c.*192T>C on transcript NM_004628.5 (MANE Select); 192 bases downstream of the stop codon, T replaced by C.
Molecular consequence: 3 prime UTR variant. On other transcripts: non-coding transcript variant (2).
Genome position (GRCh38, 1-based): chr3:14,145,749, A>G on the plus strand (T>C on the coding strand, the complement: XPC is on the minus strand). VCF-style: chr3-14145749-A-G. GRCh37 (hg19) VCF-style: chr3-14187249-A-G.
Other names: c.*192T>C (NM_001354726.2, NM_001354727.2, NM_001354729.2 and 1 more transcripts).
Identifiers: ClinVar variation 343558 (VCV000343558.8), dbSNP rs3731178, ClinGen allele CA2266980.

ClinVar aggregate classification (germline): Likely benign. Review status: criteria provided, multiple submitters, no conflicts (2 of 4 stars). 2 submissions from 2 submitters: Likely benign (2). Last evaluated 2019-02-28.

Conditions:
Xeroderma pigmentosum, group C (XPC). Also called: Xeroderma pigmentosum, complementation group C; XERODERMA PIGMENTOSUM III; XP, GROUP C; XPC-Related Xeroderma Pigmentosum. Identifiers: Orphanet 910, MedGen C2752147, MONDO:0010211, OMIM 278720.

Allele frequency attached by ClinVar (database versions not stated): gnomAD exomes 0.00122 and 0.00228; ExAC 0.00317; gnomAD 0.01016 and 0.01085; 1000 Genomes Project 0.01078; 1000 Genomes Project 30x 0.01093; TOPMed 0.01177.
gnomAD v4.1: 2,279 of 738,870 alleles (0.31%); highest among the groups gnomAD compares: African/African-American, 3.5%; 41 homozygotes.

Submissions (2):

GeneDx
Classification: Likely benign. Last evaluated: 2019-02-28. Review status: criteria provided, single submitter. Criteria: GeneDx Variant Classification Process June 2021. Collection method: clinical testing. Allele origin: germline. Affected: yes.

Illumina Laboratory Services, Illumina
Classification: Likely benign for Xeroderma pigmentosum, group C. Last evaluated: 2017-04-27. Review status: criteria provided, single submitter. Criteria: ICSL Variant Classification Criteria 13 December 2019. Collection method: clinical testing. Allele origin: germline.
Comment: This variant was observed as part of a predisposition screen in an ostensibly healthy population. A literature search was performed for the gene, cDNA change, and amino acid change (where applicable). No publications were found based on this search. Allele frequency data from public databases allowed determination this variant is unlikely to cause disease. Therefore, this variant is classified as likely benign.